The following is an entry in ClinVar:

ClinVar aggregate classification (germline): Benign/Likely benign. Review status: criteria provided, multiple submitters, no conflicts (2 of 4 stars). 3 submissions from 3 submitters: Benign (2); Likely benign (1). Last evaluated 2025-07-15.

Conditions:
Permanent neonatal diabetes mellitus-pancreatic and cerebellar agenesis syndrome. Also called: PANCREATIC AND CEREBELLAR AGENESIS. Identifiers: Orphanet 65288, MedGen C1836780, MONDO:0012192, OMIM 609069.
PTF1A-related disorder. Also called: PTF1A-related condition.

Allele frequency attached by ClinVar (database versions not stated): gnomAD 0.00014 and 0.00025; TOPMed 0.00028; 1000 Genomes Project 30x 0.00156; 1000 Genomes Project 0.00180.
gnomAD v4.1: 347 of 1,601,800 alleles (0.022%); highest among the groups gnomAD compares: East Asian, 0.75%; no homozygotes.

Submissions (3):

PreventionGenetics, part of Exact Sciences
Classification: Benign for PTF1A-related condition. Last evaluated: 2025-07-15. Review status: criteria provided, single submitter. Criteria: ACMG Guidelines, 2015. Collection method: clinical testing. Allele origin: germline.
Comment: This variant is classified as benign based on ACMG/AMP sequence variant interpretation guidelines (Richards et al. 2015 PMID: 25741868, with internal and published modifications).

Labcorp Genetics (formerly Invitae), Labcorp
Classification: Benign. Last evaluated: 2025-01-13. Review status: criteria provided, single submitter. Criteria: Invitae Variant Classification Sherloc (09022015). Collection method: clinical testing. Allele origin: germline.

Illumina Laboratory Services, Illumina
Classification: Likely benign for Permanent neonatal diabetes mellitus-pancreatic and cerebellar agenesis syndrome. Last evaluated: 2018-01-13. Review status: criteria provided, single submitter. Criteria: ICSL Variant Classification Criteria 13 December 2019. Collection method: clinical testing. Allele origin: germline.
Comment: This variant was observed in the ICSL laboratory as part of a predisposition screen in an ostensibly healthy population. It had not been previously curated by ICSL or reported in the Human Gene Mutation Database (HGMD: prior to June 1st, 2018), and was therefore a candidate for classification through an automated scoring system. Utilizing variant allele frequency, disease prevalence and penetrance estimates, and inheritance mode, an automated score was calculated to assess if this variant is too frequent to cause the disease. Based on the score and internal cut-off values, a variant classified as likely benign is not then subjected to further curation. The score for this variant resulted in a classification of likely benign for this disease.

NM_178161.3(PTF1A):c.102C>T (p.Asp34=)

Gene: PTF1A (pancreas associated transcription factor 1a; plus strand). Cytogenetic location: 10p12.2.
Variant type: single nucleotide variant.
Coding change: c.102C>T on transcript NM_178161.3 (MANE Select); coding-DNA position 102, C replaced by T.
Protein change: p.Asp34=; no amino-acid change (aspartic acid 34 retained).
Molecular consequence: synonymous variant.
Genome position (GRCh38, 1-based): chr10:23,192,632, C>T. VCF-style: chr10-23192632-C-T. GRCh37 (hg19) VCF-style: chr10-23481561-C-T.
Identifiers: ClinVar variation 299621 (VCV000299621.15), dbSNP rs199831799, ClinGen allele CA5438564.